The following is an entry in ClinVar:

NM_003482.4(KMT2D):c.9901G>A (p.Gly3301Ser)

Gene: KMT2D (lysine methyltransferase 2D; minus strand). Cytogenetic location: 12q13.12.
Variant type: single nucleotide variant.
Coding change: c.9901G>A on transcript NM_003482.4 (MANE Select); coding-DNA position 9901, G replaced by A.
Protein change: p.Gly3301Ser; replaces glycine 3301 with serine.
Molecular consequence: missense variant.
Genome position (GRCh38, 1-based): chr12:49,037,455, C>T on the plus strand (G>A on the coding strand, the complement: KMT2D is on the minus strand). VCF-style: chr12-49037455-C-T. GRCh37 (hg19) VCF-style: chr12-49431238-C-T.
Other names: short protein forms G3301S.
Identifiers: ClinVar variation 1508986 (VCV001508986.8), dbSNP rs1404576828, ClinGen allele CA384733910.

ClinVar aggregate classification (germline): Uncertain significance (1 of 4 stars; one submission).

Conditions:
Kabuki syndrome. Also called: NIIKAWA-KUROKI SYNDROME; Kabuki make-up syndrome. Identifiers: Orphanet 2322, MedGen C0796004, MONDO:0016512.

Allele frequency attached by ClinVar (database versions not stated): TOPMed below 0.00001.

Submission:

Labcorp Genetics (formerly Invitae), Labcorp
Classification: Uncertain significance for Kabuki syndrome. Last evaluated: 2021-01-21. Review status: criteria provided, single submitter. Criteria: Invitae Variant Classification Sherloc (09022015). Collection method: clinical testing. Allele origin: germline.
Comment: Advanced modeling of protein sequence and biophysical properties (such as structural, functional, and spatial information, amino acid conservation, physicochemical variation, residue mobility, and thermodynamic stability) performed at Invitae indicates that this missense variant is not expected to disrupt KMT2D protein function. This variant has not been reported in the literature in individuals with KMT2D-related conditions. This variant is not present in population databases (ExAC no frequency). This sequence change replaces glycine with serine at codon 3301 of the KMT2D protein (p.Gly3301Ser). The glycine residue is weakly conserved and there is a small physicochemical difference between glycine and serine. In summary, the available evidence is currently insufficient to determine the role of this variant in disease. Therefore, it has been classified as a Variant of Uncertain Significance.